The following is an entry in ClinVar:

ClinVar aggregate classification (germline): Uncertain significance. Review status: criteria provided, multiple submitters, no conflicts (2 of 4 stars). 2 submissions from 2 submitters: Uncertain significance (2). Last evaluated 2025-02-05.

Conditions:
Autoimmune interstitial lung disease-arthritis syndrome. Also called: Autoinflammation and autoimmunity, systemic, with immune dysregulation. Identifiers: Orphanet 444092, MedGen C5975714, MONDO:0014629.

Allele frequency attached by ClinVar (database versions not stated): gnomAD exomes below 0.00001.
gnomAD v4.1: 2 of 1,609,954 alleles (0.00012%); highest among the groups gnomAD compares: Non-Finnish European, 0.00017%; no homozygotes.

Submissions (2):

Mayo Clinic Laboratories, Mayo Clinic
Classification: Uncertain significance. Last evaluated: 2025-02-05. Review status: criteria provided, single submitter. Criteria: ACMG Guidelines, 2015. Collection method: clinical testing. Allele origin: germline. Observed: 1 variant allele.
Comment: PM2_supporting

Labcorp Genetics (formerly Invitae), Labcorp
Classification: Uncertain significance for Autoimmune interstitial lung disease-arthritis syndrome. Last evaluated: 2024-12-16. Review status: criteria provided, single submitter. Criteria: Invitae Variant Classification Sherloc (09022015). Collection method: clinical testing. Allele origin: germline.
Comment: This sequence change replaces threonine, which is neutral and polar, with alanine, which is neutral and non-polar, at codon 99 of the COPA protein (p.Thr99Ala). This variant is not present in population databases (gnomAD no frequency). This variant has not been reported in the literature in individuals affected with COPA-related conditions. ClinVar contains an entry for this variant (Variation ID: 2758858). Invitae Evidence Modeling of protein sequence and biophysical properties (such as structural, functional, and spatial information, amino acid conservation, physicochemical variation, residue mobility, and thermodynamic stability) indicates that this missense variant is not expected to disrupt COPA protein function with a negative predictive value of 80%. In summary, the available evidence is currently insufficient to determine the role of this variant in disease. Therefore, it has been classified as a Variant of Uncertain Significance.

NM_004371.4(COPA):c.295A>G (p.Thr99Ala)

Gene: COPA (coat protein complex I subunit alpha; minus strand). Cytogenetic location: 1q23.2.
Variant type: single nucleotide variant.
Coding change: c.295A>G on transcript NM_004371.4 (MANE Select); coding-DNA position 295, A replaced by G.
Protein change: p.Thr99Ala; replaces threonine 99 with alanine.
Molecular consequence: missense variant.
Genome position (GRCh38, 1-based): chr1:160,335,256, T>C on the plus strand (A>G on the coding strand, the complement: COPA is on the minus strand). VCF-style: chr1-160335256-T-C. GRCh37 (hg19) VCF-style: chr1-160305046-T-C.
Other names: p.Thr99Ala; c.295A>G, p.Thr99Ala (NM_001098398.2); short protein forms T99A.
Identifiers: ClinVar variation 2758858 (VCV002758858.4), dbSNP rs2525462715, ClinGen allele CA343271376.